The following is an entry in ClinVar:

NM_006514.4(SCN10A):c.4028G>A (p.Trp1343Ter)

Gene: SCN10A (sodium voltage-gated channel alpha subunit 10; minus strand). Cytogenetic location: 3p22.2.
Variant type: single nucleotide variant.
Coding change: c.4028G>A on transcript NM_006514.4 (MANE Select); coding-DNA position 4028, G replaced by A.
Protein change: p.Trp1343Ter; replaces tryptophan 1343 with a stop codon.
Molecular consequence: nonsense.
Genome position (GRCh38, 1-based): chr3:38,712,222, C>T on the plus strand (G>A on the coding strand, the complement: SCN10A is on the minus strand). VCF-style: chr3-38712222-C-T. GRCh37 (hg19) VCF-style: chr3-38753713-C-T.
Other names: c.4025G>A, p.Trp1342Ter (NM_001293306.2); c.3734G>A, p.Trp1245Ter (NM_001293307.2); short protein forms W1343*, W1245*, W1342*.
Identifiers: ClinVar variation 504354 (VCV000504354.7), dbSNP rs756036768, ClinGen allele CA2320052.
Genomic context (GRCh38, chr3:38,712,222, plus strand): 5'-ACCTGCAGAAGTGCAAGGTAACCCATTGCAACATTATCAAAGTTGACTTTCACATTGACC[C>T]AGAAGAAGCTGCCAGTGGAGTTTTGAATCTTGCAGTCAGACTTGTTATTCACAATCGACA-3'

ClinVar aggregate classification (germline): Uncertain significance. Review status: criteria provided, multiple submitters, no conflicts (2 of 4 stars). 3 submissions from 3 submitters: Uncertain significance (3). Last evaluated 2024-11-04.

Conditions:
Brugada syndrome. Also called: Sudden unexpected nocturnal death syndrome; Sudden unexplained nocturnal death syndrome; Sudden Unexplained Death Syndrome; Sudden Unexplained Nocturnal Death Syndrome (SUNDS). Identifiers: Orphanet 130, MedGen C1142166, MONDO:0015263.
Cardiovascular phenotype. Identifiers: MedGen CN230736.

Allele frequency attached by ClinVar (database versions not stated): ExAC 0.00001; gnomAD exomes 0.00001; TOPMed 0.00001.
gnomAD v4.1: 3 of 1,614,222 alleles (0.00019%); highest among the groups gnomAD compares: Admixed American, 0.0033%; no homozygotes.

Submissions (3):

Labcorp Genetics (formerly Invitae), Labcorp
Classification: Uncertain significance for Brugada syndrome. Last evaluated: 2024-11-04. Review status: criteria provided, single submitter. Criteria: Invitae Variant Classification Sherloc (09022015). Collection method: clinical testing. Allele origin: germline.
Comment: This sequence change creates a premature translational stop signal (p.Trp1343*) in the SCN10A gene. It is expected to result in an absent or disrupted protein product. However, the current clinical and genetic evidence is not sufficient to establish whether loss-of-function variants in SCN10A cause disease. This variant is present in population databases (rs756036768, gnomAD 0.006%). This variant has not been reported in the literature in individuals affected with SCN10A-related conditions. ClinVar contains an entry for this variant (Variation ID: 504354). Algorithms developed to predict the effect of sequence changes on RNA splicing suggest that this variant may disrupt the consensus splice site. In summary, the available evidence is currently insufficient to determine the role of this variant in disease. Therefore, it has been classified as a Variant of Uncertain Significance.

Ambry Genetics
Classification: Uncertain significance for Cardiovascular phenotype. Last evaluated: 2023-06-05. Review status: criteria provided, single submitter. Criteria: Ambry Variant Classification Scheme 2023. Collection method: clinical testing. Allele origin: germline.
Comment: The p.W1343* variant (also known as c.4028G>A), located in coding exon 22 of the SCN10A gene, results from a G to A substitution at nucleotide position 4028. This changes the amino acid from a tryptophan to a stop codon within coding exon 22. This alteration is expected to result in loss of function by premature protein truncation or nonsense-mediated mRNA decay. However, the evidence for this gene-disease relationship is limited; therefore, the clinical significance of this alteration is unclear.

GeneDx
Classification: Uncertain significance. Last evaluated: 2018-02-20. Review status: criteria provided, single submitter. Criteria: GeneDx Variant Classification (06012015). Collection method: clinical testing. Allele origin: germline. Affected: yes.
Comment: A variant of uncertain significance has been identified in the SCN10A gene. The W1343X variant has not been published as pathogenic or been reported as benign to our knowledge. This variant is not observed at a significant frequency in large population cohorts (Lek et al., 2016). The W1343X variant is predicted to cause loss of normal protein function either by protein truncation or nonsense-mediated mRNA decay. Nevertheless, most variants in the SCN10A gene reported in the Human Gene Mutation Database in association with cardiac conduction defects are missense variants, suggesting that loss-of-function may not be a mechanism of disease in this gene (Stenson et al., 2014).